The following is an entry in ClinVar:

NR_001566.3(TERC):n.108delC

Genes: TERC (telomerase RNA component; minus strand), LOC110806306 (telomerase RNA component (TERC) promoter; plus strand). Cytogenetic location: 3q26.2.
Variant type: Deletion.
Genome position: GRCh38 VCF-style: chr3-169764952-AG-A. GRCh37 (hg19) VCF-style: chr3-169482740-AG-A.
Identifiers: ClinVar variation 1338317 (VCV001338317.5), dbSNP rs2108183267, ClinGen allele CA2573052111.
Genomic context (GRCh38, chr3:169,764,952, plus strand): 5'-TTTGCTCTAGAATGAACGGTGGAAGGCGGCAGGCCGAGGCTTTTCCGCCCGCTGAAAGTC[AG>A]CGAGAAAAACAGCGCGCGGGGAGCAAAAGCACGGCGCCTACGCCCTTCTCAGTTAGGGTT-3'

ClinVar aggregate classification (germline): Likely pathogenic. Review status: criteria provided, single submitter (1 of 4 stars). 2 submissions from 2 submitters: Likely pathogenic (1). 1 of the submissions does not count toward it. Last evaluated 2017-10-02.

Conditions:
TERC-related disorder. Also called: TERC-related condition.

Submissions (2):

Genetic Services Laboratory, University of Chicago
Classification: Likely pathogenic. Last evaluated: 2017-10-02. Review status: criteria provided, single submitter. Criteria: ACMG Guidelines, 2015. Collection method: clinical testing. Allele origin: germline. Affected: yes.

PreventionGenetics, part of Exact Sciences
Classification: Uncertain significance for TERC-related condition. Last evaluated: 2024-04-09. Review status: no assertion criteria provided. Collection method: clinical testing. Allele origin: germline. Not counted in ClinVar's aggregate classification.
Comment: The TERC n.108delC variant is predicted to result in an in-frame deletion (Non-Coding). To our knowledge, this variant has not been reported in the literature or in a large population database, indicating this variant is rare. At this time, the clinical significance of this variant is uncertain due to the absence of conclusive functional and genetic evidence.